The following is an entry in ClinVar:

ClinVar aggregate classification (germline): Conflicting classifications of pathogenicity. Review status: criteria provided, conflicting classifications (1 of 4 stars). 2 submissions from 2 submitters: Uncertain significance (1); Likely benign (1). Last evaluated 2023-08-17.

Conditions:
Hereditary cancer-predisposing syndrome. Also called: Hereditary Cancer Syndrome; Hereditary neoplastic syndrome; Tumor predisposition; Neoplastic Syndromes, Hereditary. Identifiers: Orphanet 140162, MedGen C0027672, MeSH D009386, MONDO:0015356.
Hereditary breast ovarian cancer syndrome. Also called: Hereditary breast and ovarian cancer syndrome (HBOC); BRCA1- and BRCA2-Associated Hereditary Breast and Ovarian Cancer; Hereditary breast and/or ovarian cancer syndrome; Hereditary breast and ovarian cancer; Breast and ovarian cancer; Hereditary breast and ovarian cancer syndrome. Identifiers: Orphanet 145, MedGen C0677776, MeSH D061325, MONDO:0003582. Disease mechanism: loss of function.

Submissions (2):

Labcorp Genetics (formerly Invitae), Labcorp
Classification: Uncertain significance for Hereditary breast ovarian cancer syndrome. Last evaluated: 2023-08-17. Review status: criteria provided, single submitter. Criteria: Invitae Variant Classification Sherloc (09022015). Collection method: clinical testing. Allele origin: germline.
Comment: In summary, the available evidence is currently insufficient to determine the role of this variant in disease. Therefore, it has been classified as a Variant of Uncertain Significance. Advanced modeling of protein sequence and biophysical properties (such as structural, functional, and spatial information, amino acid conservation, physicochemical variation, residue mobility, and thermodynamic stability) performed at Invitae indicates that this missense variant is not expected to disrupt BRCA2 protein function. ClinVar contains an entry for this variant (Variation ID: 1958027). This variant has not been reported in the literature in individuals affected with BRCA2-related conditions. This variant is not present in population databases (gnomAD no frequency). This sequence change replaces threonine, which is neutral and polar, with serine, which is neutral and polar, at codon 582 of the BRCA2 protein (p.Thr582Ser).

University of Washington Department of Laboratory Medicine, University of Washington
Classification: Likely benign for Hereditary cancer-predisposing syndrome. Last evaluated: 2023-03-23. Review status: criteria provided, single submitter. Criteria: Dines et al. (Genet Med. 2020). Collection method: curation. Allele origin: germline.
Comment: Missense variant in a coldspot region where missense variants are very unlikely to be pathogenic (PMID:31911673).

BRCA2 exon 10 coldspot. Reclassification based on statistical prior probability.

NM_000059.4(BRCA2):c.1745C>G (p.Thr582Ser)

Gene: BRCA2 (BRCA2 DNA repair associated; plus strand). Cytogenetic location: 13q13.1.
Variant type: single nucleotide variant.
Coding change: c.1745C>G on transcript NM_000059.4 (MANE Select); coding-DNA position 1745, C replaced by G.
Protein change: p.Thr582Ser; replaces threonine 582 with serine.
Molecular consequence: missense variant.
Genome position (GRCh38, 1-based): chr13:32,333,223, C>G. VCF-style: chr13-32333223-C-G. GRCh37 (hg19) VCF-style: chr13-32907360-C-G.
Other names: c.1745C>G, p.Thr582Ser (NM_001406719.1, NM_001406720.1, NM_001406721.1); short protein forms T582S.
Identifiers: ClinVar variation 1958027 (VCV001958027.7), dbSNP rs2137474446, ClinGen allele CA387765470.
Genomic context (GRCh38, chr13:32,333,223, plus strand): 5'-GCTGGCCAGCCACCACCACACAGAATTCTGTAGCTTTGAAGAATGCAGGTTTAATATCCA[C>G]TTTGAAAAAGAAAACAAATAAGTTTATTTATGCTATACATGATGAAACATCTTATAAAGG-3'
Protein context (NP_000050.3, residues 572-592): VALKNAGLIS[Thr582Ser]LKKKTNKFIY